The following is an entry in ClinVar:

NM_000238.4(KCNH2):c.3289G>A (p.Val1097Ile)

Gene: KCNH2 (potassium voltage-gated channel subfamily H member 2; minus strand). Cytogenetic location: 7q36.1.
Variant type: single nucleotide variant.
Coding change: c.3289G>A on transcript NM_000238.4 (MANE Select); coding-DNA position 3289, G replaced by A.
Protein change: p.Val1097Ile; replaces valine 1097 with isoleucine.
Molecular consequence: missense variant.
Genome position (GRCh38, 1-based): chr7:150,946,918, C>T on the plus strand (G>A on the coding strand, the complement: KCNH2 is on the minus strand). VCF-style: chr7-150946918-C-T. GRCh37 (hg19) VCF-style: chr7-150644006-C-T.
Other names: c.2269G>A, p.Val757Ile (NM_172057.3); c.3289G>A (LRG_288t1); short protein forms V1097I, V757I.
Identifiers: ClinVar variation 67486 (VCV000067486.30), dbSNP rs199473030, ClinGen allele CA008165.
Genomic context (GRCh38, chr7:150,946,918, plus strand): 5'-AAGCAGGGCTGGAGCTTACCTGAGAAAGCGAGTCCAAGGTGAGGGTGGGGAGGGGGCTGA[C>T]GGGCAACAGCGGGGATGTGGAAGTGGGGCCAGGCCCCGGGGTGGTCACAGCACTGTAGGC-3'
Protein context (NP_000229.1, residues 1087-1107): GPTSTSPLLP[Val1097Ile]SPLPTLTLDS

ClinVar aggregate classification (germline): Uncertain significance. Review status: criteria provided, multiple submitters, no conflicts (2 of 4 stars). 8 submissions from 8 submitters: Uncertain significance (7). 1 of the submissions does not count toward it. Last evaluated 2025-10-07.

Conditions:
Cardiac arrhythmia. Also called: Arrhythmia; Cardiac rhythm disease. Identifiers: MedGen C0003811, MONDO:0007263, HP:0011675.
Cardiovascular phenotype. Identifiers: MedGen CN230736.
Long QT syndrome (LQTS). Identifiers: MedGen C0023976, MeSH D008133, MONDO:0002442. Disease mechanism: loss of function. Inheritance: Various modes of inheritance.

Allele frequency attached by ClinVar (database versions not stated): ExAC 0.00001; gnomAD 0.00002 and 0.00003; gnomAD exomes 0.00002 and 0.00006; TOPMed 0.00003; 1000 Genomes Project 0.00020; 1000 Genomes Project 30x 0.00031.
gnomAD v4.1: 90 of 1,591,324 alleles (0.0057%); highest among the groups gnomAD compares: East Asian, 0.016%; no homozygotes.

Submissions (8):

Labcorp Genetics (formerly Invitae), Labcorp
Classification: Uncertain significance for Long QT syndrome. Last evaluated: 2025-10-07. Review status: criteria provided, single submitter. Criteria: Invitae Variant Classification Sherloc (09022015). Collection method: clinical testing. Allele origin: germline.
Comment: This sequence change replaces valine, which is neutral and non-polar, with isoleucine, which is neutral and non-polar, at codon 1097 of the KCNH2 protein (p.Val1097Ile). This variant is present in population databases (rs199473030, gnomAD 0.006%). This variant has not been reported in the literature in individuals affected with KCNH2-related conditions. ClinVar contains an entry for this variant (Variation ID: 67486). An algorithm developed to predict the effect of missense changes on protein structure and function outputs the following: PolyPhen-2: "Benign". The isoleucine amino acid residue is found in multiple mammalian species, which suggests that this missense change does not adversely affect protein function. In summary, the available evidence is currently insufficient to determine the role of this variant in disease. Therefore, it has been classified as a Variant of Uncertain Significance.

Color Diagnostics, LLC DBA Color Health
Classification: Uncertain significance for Cardiac arrhythmia. Last evaluated: 2025-06-19. Review status: criteria provided, single submitter. Criteria: ACMG Guidelines, 2015. Collection method: clinical testing. Allele origin: germline.
Comment: This missense variant replaces valine with isoleucine at codon 1097 of the KCNH2 protein. Computational prediction tool is inconclusive regarding the impact of this variant on protein structure and function. To our knowledge, functional studies have not been reported for this variant. This variant has not been reported in individuals affected with KCNH2-related disorders in the literature. This variant has been identified in 4/238988 chromosomes in the general population by the Genome Aggregation Database (gnomAD). The available evidence is insufficient to determine the role of this variant in disease conclusively. Therefore, this variant is classified as a Variant of Uncertain Significance.

Molecular Diagnostic Laboratory for Inherited Cardiovascular Disease, Montreal Heart Institute
Classification: Uncertain significance for Cardiovascular phenotype. Last evaluated: 2025-04-09. Review status: criteria provided, single submitter. Criteria: ACMG Guidelines, 2015. Collection method: clinical testing. Allele origin: germline. Affected: yes.

GeneDx
Classification: Uncertain significance. Last evaluated: 2024-06-04. Review status: criteria provided, single submitter. Criteria: GeneDx Variant Classification Process June 2021. Collection method: clinical testing. Allele origin: germline. Affected: yes.
Comment: Has not been previously published as pathogenic or benign in association with a KCNH2-related disorder to our knowledge; Not observed at a significant frequency in large population cohorts (gnomAD); In silico analysis indicates that this missense variant does not alter protein structure/function; This variant is associated with the following publications: (PMID: 22949429, 19841300)

Ambry Genetics
Classification: Uncertain significance for Cardiovascular phenotype. Last evaluated: 2022-11-14. Review status: criteria provided, single submitter. Criteria: Ambry Variant Classification Scheme 2023. Collection method: clinical testing. Allele origin: germline.

Women's Health and Genetics/Laboratory Corporation of America, LabCorp
Classification: Uncertain significance. Last evaluated: 2021-09-13. Review status: criteria provided, single submitter. Criteria: LabCorp Variant Classification Summary - May 2015. Collection method: clinical testing. Allele origin: germline.
Comment: Variant summary: KCNH2 c.3289G>A (p.Val1097Ile) results in a conservative amino acid change in the encoded protein sequence. Four of five in-silico tools predict a benign effect of the variant on protein function. The variant allele was found at a frequency of 2.1e-05 in 241588 control chromosomes (gnomAD and publication data). The available data on variant occurrences in the general population are insufficient to allow any conclusion about variant significance. c.3289G>A has been reported in the literature in two individuals who had whole-exome sequencing as well as in one healthy control (Kapa_2009, Ghouse_2015). These reports do not provide unequivocal conclusions about association of the variant with Arrhythmia. To our knowledge, no experimental evidence demonstrating an impact on protein function has been reported. Four ClinVar submitters (evaluation after 2014) cite the variant as uncertain significance. Based on the evidence outlined above, the variant was classified as uncertain significance.

Revvity Omics, Revvity
Classification: Uncertain significance. Last evaluated: 2021-04-16. Review status: criteria provided, single submitter. Criteria: ACMG Guidelines, 2015. Collection method: clinical testing. Allele origin: germline.

Cardiovascular Biomedical Research Unit, Royal Brompton & Harefield NHS Foundation Trust
No classification provided. Review status: no classification provided. Collection method: literature only. Allele origin: germline. Not counted in ClinVar's aggregate classification.
Comment: This variant has been reported in the following publications (PMID:19841300).

Literature cited by the submitters: PubMed 19841300 (cited by Women's Health and Genetics/Laboratory Corporation of America, LabCorp and Cardiovascular Biomedical Research Unit, Royal Brompton & Harefield NHS Foundation Trust); PubMed 22949429 (cited by Women's Health and Genetics/Laboratory Corporation of America, LabCorp); PubMed 25649125 (cited by Women's Health and Genetics/Laboratory Corporation of America, LabCorp); PubMed 26159999 (cited by Women's Health and Genetics/Laboratory Corporation of America, LabCorp); PubMed 31493592 (cited by Women's Health and Genetics/Laboratory Corporation of America, LabCorp); PubMed 22581653 (cited by Cardiovascular Biomedical Research Unit, Royal Brompton & Harefield NHS Foundation Trust).